The following is an entry in ClinVar:

NM_025114.4(CEP290):c.382G>C (p.Asp128His)

Gene: CEP290 (centrosomal protein 290; minus strand). Cytogenetic location: 12q21.32.
Variant type: single nucleotide variant.
Coding change: c.382G>C on transcript NM_025114.4 (MANE Select); coding-DNA position 382, G replaced by C.
Protein change: p.Asp128His; replaces aspartic acid 128 with histidine.
Molecular consequence: missense variant.
Genome position (GRCh38, 1-based): chr12:88,136,702, C>G on the plus strand (G>C on the coding strand, the complement: CEP290 is on the minus strand). VCF-style: chr12-88136702-C-G. GRCh37 (hg19) VCF-style: chr12-88530479-C-G.
Other names: c.382G>C (NM_025114.3); short protein forms D128H.
Identifiers: ClinVar variation 1903741 (VCV001903741.7), dbSNP rs755112866, ClinGen allele CA6712817.

ClinVar aggregate classification (germline): Uncertain significance. Review status: criteria provided, multiple submitters, no conflicts (2 of 4 stars). 3 submissions from 3 submitters: Uncertain significance (3). Last evaluated 2024-08-15.

Conditions:
Inborn genetic diseases. Identifiers: MedGen C0950123, MeSH D030342.
Nephronophthisis. Also called: Juvenile Nephronophthisis. Identifiers: Orphanet 655, MedGen C0687120, MONDO:0019005, HP:0000090.
Meckel-Gruber syndrome. Also called: DYSENCEPHALIA SPLANCHNOCYSTICA; GRUBER SYNDROME; Dysencephalia splachnocystica. Identifiers: Orphanet 564, MedGen C0265215, MONDO:0018921.
Joubert syndrome. Also called: CEREBELLOPARENCHYMAL DISORDER IV; JOUBERT-BOLTSHAUSER SYNDROME; Familial aplasia of the vermis. Identifiers: Orphanet 475, MedGen C5979921, MONDO:0018772.
CEP290-related disorder. Also called: CEP290-related condition; CEP290-related disorders. Identifiers: MedGen CN239314.

Allele frequency attached by ClinVar (database versions not stated): ExAC 0.00001.
gnomAD v4.1: 3 of 1,613,610 alleles (0.00019%); highest among the groups gnomAD compares: African/African-American, 0.004%; no homozygotes.

Submissions (3):

Ambry Genetics
Classification: Uncertain significance for Inborn genetic diseases. Last evaluated: 2024-08-15. Review status: criteria provided, single submitter. Criteria: Ambry Variant Classification Scheme 2023. Collection method: clinical testing. Allele origin: germline.

PreventionGenetics, part of Exact Sciences
Classification: Uncertain significance for CEP290-related condition. Last evaluated: 2023-07-05. Review status: criteria provided, single submitter. Criteria: ACMG Guidelines, 2015. Collection method: clinical testing. Allele origin: germline.
Comment: The CEP290 c.382G>C variant is predicted to result in the amino acid substitution p.Asp128His. To our knowledge, this variant has not been reported in the literature. This variant is reported in 0.0065% of alleles in individuals of African descent in gnomAD. At this time, the clinical significance of this variant is uncertain due to the absence of conclusive functional and genetic evidence.

Labcorp Genetics (formerly Invitae), Labcorp
Classification: Uncertain significance for Joubert syndrome; Meckel-Gruber syndrome; Nephronophthisis. Last evaluated: 2022-02-28. Review status: criteria provided, single submitter. Criteria: Invitae Variant Classification Sherloc (09022015). Collection method: clinical testing. Allele origin: germline.
Comment: This sequence change replaces aspartic acid, which is acidic and polar, with histidine, which is basic and polar, at codon 128 of the CEP290 protein (p.Asp128His). This variant is present in population databases (rs755112866, gnomAD 0.007%). This variant has not been reported in the literature in individuals affected with CEP290-related conditions. Algorithms developed to predict the effect of missense changes on protein structure and function are either unavailable or do not agree on the potential impact of this missense change (SIFT: "Deleterious"; PolyPhen-2: "Probably Damaging"; Align-GVGD: "Class C0"). In summary, the available evidence is currently insufficient to determine the role of this variant in disease. Therefore, it has been classified as a Variant of Uncertain Significance.